The following is an entry in ClinVar:

ClinVar aggregate classification (germline): Uncertain significance (1 of 4 stars; one submission).

Submission:

OLLIN Analises Genomicas, OLLIN
Classification: Uncertain significance. Last evaluated: 2026-08-06. Review status: criteria provided, single submitter. Criteria: ACMG Guidelines 2015 PMID 25741868. Collection method: clinical testing. Allele origin: germline.
Comment: This missense variant, located in exon 4 (of 5), is absent from gnomAD and ClinVar and has not been identified in the literature. In silico analysis predicts that this variant has a deleterious effect. According to the currently available evidence, this variant has been classified as uncertain significance (PM2_P, PP3_S).

NM_021167.5(GATAD1):c.442T>C (p.Tyr148His)

Gene: GATAD1 (GATA zinc finger domain containing 1; plus strand). Cytogenetic location: 7q21.2.
Variant type: single nucleotide variant.
Coding change: c.442T>C on transcript NM_021167.5 (MANE Select); coding-DNA position 442, T replaced by C.
Protein change: p.Tyr148His; replaces tyrosine 148 with histidine.
Molecular consequence: missense variant. On other transcripts: non-coding transcript variant (1).
Genome position (GRCh38, 1-based): chr7:92,454,508, T>C. VCF-style: chr7-92454508-T-C. GRCh37 (hg19) VCF-style: chr7-92083822-T-C.
Other names: short protein forms Y148H.
Identifiers: ClinVar variation 5002867 (VCV005002867.1).
Genomic context (GRCh38, chr7:92,454,508, plus strand): 5'-GCTGTGATGTTCTATTTTTATTTTCAATGTGGGATTATCTTCTGTTTCCCCCAGGGAGTA[T>C]ATTACCAAATTGGTGATGTTGTTTCTGTGATTGATGAACAAGATGGAAAGCCCTACTATG-3'
Protein context (NP_066990.3, residues 138-158): TAESIFYKGV[Tyr148His]YQIGDVVSVI